The following is an entry in ClinVar:

ClinVar aggregate classification (germline): Conflicting classifications of pathogenicity. Review status: criteria provided, conflicting classifications (1 of 4 stars). 15 submissions from 15 submitters: Uncertain significance (2); Benign (1); Likely benign (11). 1 of the submissions does not count toward it. Last evaluated 2026-01-05.

Conditions:
BRIP1-related disorder. Also called: BRIP1-related disorders; BRIP1-related condition. Identifiers: MedGen CN239206.
Hereditary cancer-predisposing syndrome. Also called: Tumor predisposition; Neoplastic Syndromes, Hereditary; Hereditary neoplastic syndrome; Hereditary Cancer Syndrome. Identifiers: Orphanet 140162, MedGen C0027672, MeSH D009386, MONDO:0015356.
Breast and/or ovarian cancer. Identifiers: MedGen CN221562.
Familial cancer of breast. Also called: hereditary breast carcinoma; BREAST CANCER, FAMILIAL; Hereditary breast cancer. Identifiers: Orphanet 227535, MedGen C0346153, MONDO:0016419, OMIM 114480. Disease mechanism: loss of function.
Fanconi anemia complementation group J. Also called: BRIP1-Related Fanconi Anemia. Identifiers: Orphanet 84, MedGen C1836860, MONDO:0012187, OMIM 609054.

Allele frequency attached by ClinVar (database versions not stated): gnomAD 0.00001; ExAC 0.00002; gnomAD exomes 0.00002 and 0.00003; TOPMed 0.00002; ESP Exome Variant Server 0.00015.
gnomAD v4.1: 39 of 1,613,938 alleles (0.0024%); highest among the groups gnomAD compares: Non-Finnish European, 0.0031%; no homozygotes.

Submissions (15):

Labcorp Genetics (formerly Invitae), Labcorp
Classification: Likely benign for Familial cancer of breast; Fanconi anemia complementation group J. Last evaluated: 2026-01-05. Review status: criteria provided, single submitter. Criteria: Invitae Variant Classification Sherloc (09022015). Collection method: clinical testing. Allele origin: germline.

Quest Diagnostics Nichols Institute San Juan Capistrano
Classification: Uncertain significance. Last evaluated: 2025-05-28. Review status: criteria provided, single submitter. Criteria: Quest Diagnostics criteria. Collection method: clinical testing. Allele origin: unknown.
Comment: The BRIP1 c.2811T>C (p.Asp937=) synonymous variant has not been reported in individuals with BRIP1-related conditions in the published literature. The frequency of this variant in the general population (Genome Aggregation Database) is uninformative in the assessment of its pathogenicity. Analysis of this variant using software algorithms for the prediction of the effect of nucleotide changes on splicing yielded predictions that this variant does not affect BRIP1 mRNA splicing. Based on the available information, we are unable to determine the clinical significance of this variant.

Center for Genomic Medicine, Rigshospitalet, Copenhagen University Hospital
Classification: Likely benign. Last evaluated: 2025-03-04. Review status: criteria provided, single submitter. Criteria: ACMG Guidelines, 2015. Collection method: clinical testing. Allele origin: germline.

Blueprint Genetics
Classification: Likely benign. Last evaluated: 2024-10-04. Review status: criteria provided, single submitter. Criteria: ACMG Guidelines, 2015. Collection method: clinical testing. Allele origin: germline.

Myriad Genetics, Inc.
Classification: Benign for Familial cancer of breast. Last evaluated: 2024-09-06. Review status: criteria provided, single submitter. Criteria: Myriad Autosomal Dominant, Autosomal Recessive and X-Linked Classification Criteria (2023). Collection method: clinical testing. Allele origin: unknown.
Comment: This variant is considered benign. This variant is a silent/synonymous amino acid change and it is not expected to impact splicing.

Institute for Biomarker Research, Medical Diagnostic Laboratories, L.L.C.
Classification: Likely benign for Hereditary cancer-predisposing syndrome. Last evaluated: 2023-09-21. Review status: criteria provided, single submitter. Criteria: ACMG Guidelines, 2015. Collection method: clinical testing. Allele origin: germline.

CHEO Genetics Diagnostic Laboratory, Children's Hospital of Eastern Ontario
Classification: Likely benign for Breast and/or ovarian cancer. Last evaluated: 2022-09-02. Review status: criteria provided, single submitter. Criteria: ACMG Guidelines, 2015. Collection method: clinical testing. Allele origin: germline.

Sema4
Classification: Likely benign for Hereditary cancer-predisposing syndrome. Last evaluated: 2022-01-31. Review status: criteria provided, single submitter. Criteria: Sema4 Curation Guidelines. Collection method: curation. Allele origin: germline.

Women's Health and Genetics/Laboratory Corporation of America, LabCorp
Classification: Likely benign. Last evaluated: 2019-07-18. Review status: criteria provided, single submitter. Criteria: LabCorp Variant Classification Summary - May 2015. Collection method: clinical testing. Allele origin: germline.

Genetic Services Laboratory, University of Chicago
Classification: Likely benign. Last evaluated: 2019-04-10. Review status: criteria provided, single submitter. Criteria: ACMG Guidelines, 2015. Collection method: clinical testing. Allele origin: germline. Affected: no.

Illumina Laboratory Services, Illumina
Classification: Uncertain significance for Fanconi anemia complementation group J. Last evaluated: 2018-01-13. Review status: criteria provided, single submitter. Criteria: ICSL Variant Classification Criteria 13 December 2019. Collection method: clinical testing. Allele origin: germline.

Color Diagnostics, LLC DBA Color Health
Classification: Likely benign for Hereditary cancer-predisposing syndrome. Last evaluated: 2017-11-16. Review status: criteria provided, single submitter. Criteria: ACMG Guidelines, 2015. Collection method: clinical testing. Allele origin: germline.

GeneDx
Classification: Likely benign. Last evaluated: 2016-03-14. Review status: criteria provided, single submitter. Criteria: GeneDx Variant Classification (06012015). Collection method: clinical testing. Allele origin: germline. Affected: yes.
Comment: This variant is considered likely benign or benign based on one or more of the following criteria: it is a conservative change, it occurs at a poorly conserved position in the protein, it is predicted to be benign by multiple in silico algorithms, and/or has population frequency not consistent with disease.

Ambry Genetics
Classification: Likely benign for Hereditary cancer-predisposing syndrome. Last evaluated: 2014-10-14. Review status: criteria provided, single submitter. Criteria: Ambry Variant Classification Scheme 2023. Collection method: clinical testing. Allele origin: germline.

PreventionGenetics, part of Exact Sciences
Classification: Likely benign for BRIP1-related condition. Last evaluated: 2023-06-07. Review status: no assertion criteria provided. Collection method: clinical testing. Allele origin: germline. Not counted in ClinVar's aggregate classification.
Comment: This variant is classified as likely benign based on ACMG/AMP sequence variant interpretation guidelines (Richards et al. 2015 PMID: 25741868, with internal and published modifications).

NM_032043.3(BRIP1):c.2811T>C (p.Asp937=)

Gene: BRIP1 (BRCA1 interacting DNA helicase 1; minus strand). Cytogenetic location: 17q23.2.
Variant type: single nucleotide variant.
Coding change: c.2811T>C on transcript NM_032043.3 (MANE Select); coding-DNA position 2811, T replaced by C.
Protein change: p.Asp937=; no amino-acid change (aspartic acid 937 retained).
Molecular consequence: synonymous variant.
Genome position (GRCh38, 1-based): chr17:61,685,930, A>G on the plus strand (T>C on the coding strand, the complement: BRIP1 is on the minus strand). VCF-style: chr17-61685930-A-G. GRCh37 (hg19) VCF-style: chr17-59763291-A-G.
Identifiers: ClinVar variation 183986 (VCV000183986.34), dbSNP rs374335608, ClinGen allele CA187400.